The following is an entry in ClinVar:

ClinVar aggregate classification (germline): Uncertain significance (1 of 4 stars; one submission).

Conditions:
Muscular dystrophy-dystroglycanopathy type B6 (MDDGB6). Also called: MUSCULAR DYSTROPHY-DYSTROGLYCANOPATHY (CONGENITAL WITH IMPAIRED INTELLECTUAL DEVELOPMENT), TYPE B, 6; MUSCULAR DYSTROPHY, CONGENITAL, LARGE-RELATED; MUSCULAR DYSTROPHY, CONGENITAL, TYPE 1D. Identifiers: MedGen C1837229, MONDO:0012138, OMIM 608840.

Allele frequency attached by ClinVar (database versions not stated): TOPMed 0.00001.
gnomAD v4.1: 5 of 1,614,166 alleles (0.00031%); highest among the groups gnomAD compares: Admixed American, 0.005%; no homozygotes.

Submission:

Labcorp Genetics (formerly Invitae), Labcorp
Classification: Uncertain significance for Muscular dystrophy-dystroglycanopathy type B6. Last evaluated: 2021-09-17. Review status: criteria provided, single submitter. Criteria: Invitae Variant Classification Sherloc (09022015). Collection method: clinical testing. Allele origin: germline.
Comment: This sequence change replaces isoleucine with methionine at codon 581 of the LARGE1 protein (p.Ile581Met). The isoleucine residue is moderately conserved and there is a small physicochemical difference between isoleucine and methionine. This variant is not present in population databases (ExAC no frequency). This variant has not been reported in the literature in individuals affected with LARGE1-related conditions. Algorithms developed to predict the effect of missense changes on protein structure and function (SIFT, PolyPhen-2, Align-GVGD) all suggest that this variant is likely to be tolerated. In summary, the available evidence is currently insufficient to determine the role of this variant in disease. Therefore, it has been classified as a Variant of Uncertain Significance.

NM_133642.5(LARGE1):c.1743C>G (p.Ile581Met)

Gene: LARGE1 (LARGE xylosyl- and glucuronyltransferase 1; minus strand). Cytogenetic location: 22q12.3.
Variant type: single nucleotide variant.
Coding change: c.1743C>G on transcript NM_133642.5 (MANE Select); coding-DNA position 1743, C replaced by G.
Protein change: p.Ile581Met; replaces isoleucine 581 with methionine.
Molecular consequence: missense variant. On other transcripts: intron variant (3).
Genome position (GRCh38, 1-based): chr22:33,283,336, G>C on the plus strand (C>G on the coding strand, the complement: LARGE1 is on the minus strand). VCF-style: chr22-33283336-G-C. GRCh37 (hg19) VCF-style: chr22-33679322-G-C.
Other names: c.1743C>G, p.Ile581Met (NM_001362949.2, NM_001362951.2, NM_001362953.2 and 4 more transcripts); c.1587C>G, p.Ile529Met (NM_001378629.1); c.1140C>G, p.Ile380Met (NM_001378630.1); c.1731-6081C>G (NM_001378627.1, NM_001378628.1); c.972-6081C>G (NM_001378631.1); short protein forms I529M, I581M, I380M.
Identifiers: ClinVar variation 1521500 (VCV001521500.1), dbSNP rs747357315, ClinGen allele CA323708853.
Genomic context (GRCh38, chr22:33,283,336, plus strand): 5'-GCGCAGTGTCTCGAACGCGGGGACAATCATTGCTTTCTTGGTGTTGGCAAGATCGAGCTG[G>C]ATGACAGACTTCCTGAAAAGAGGGGACAGGCAGAGAGACAGAGTCCCTGTGACACCAGGC-3'
Protein context (NP_598397.1, residues 571-591): GLYEYLRKSV[Ile581Met]QLDLANTKKA